The following is an entry in ClinVar:

NM_000548.5(TSC2):c.2504C>A (p.Ala835Asp)

Gene: TSC2 (TSC complex subunit 2; plus strand). Cytogenetic location: 16p13.3.
Variant type: single nucleotide variant.
Coding change: c.2504C>A on transcript NM_000548.5 (MANE Select); coding-DNA position 2504, C replaced by A.
Protein change: p.Ala835Asp; replaces alanine 835 with aspartic acid.
Molecular consequence: missense variant. On other transcripts: non-coding transcript variant (5).
Genome position (GRCh38, 1-based): chr16:2,074,348, C>A. VCF-style: chr16-2074348-C-A. GRCh37 (hg19) VCF-style: chr16-2124349-C-A.
Other names: c.2504C>A, p.Ala835Asp (NM_001370404.1, NM_001370405.1, NM_001406663.1 and 6 more transcripts); c.2594C>A, p.Ala865Asp (NM_001406667.1, NM_001406668.1); c.2393C>A, p.Ala798Asp (NM_001406670.1, NM_001318827.2, NM_001406678.1); c.2492C>A, p.Ala831Asp (NM_001406671.1, NM_001406673.1); c.1904C>A, p.Ala635Asp (NM_001406684.1, NM_001406685.1, NM_001406686.1 and 6 more transcripts); c.1160C>A, p.Ala387Asp (NM_001406689.1, NM_001406690.1, NM_001406691.1 and 6 more transcripts); c.2357C>A, p.Ala786Asp (NM_001318829.2, NM_001406675.1, NM_001406676.1 and 1 more transcripts); c.2537C>A, p.Ala846Asp (NM_001318832.2); and 3 more; short protein forms A786D, A865D, A301D, A387D, A635D, A681D, A798D, A816D.
Identifiers: ClinVar variation 3637205 (VCV003637205.2).
Genomic context (GRCh38, chr16:2,074,348, plus strand): 5'-TGCCTGACATCATCATCAAGGCGCTGCCTGTTCTGGTGGTGAAGCTCACGCACATCTCAG[C>A]CACAGCCAGCATGGCCGTCCCACTGCTGGAGTTCCTGTCCAGTGAGTCCCCGCCCTGCCT-3'
Protein context (NP_000539.2, residues 825-845): VLVVKLTHIS[Ala835Asp]TASMAVPLLE

ClinVar aggregate classification (germline): Uncertain significance (1 of 4 stars; one submission).

Conditions:
Tuberous sclerosis 2 (TSC2). Identifiers: Orphanet 805, MedGen C1860707, MONDO:0013199, OMIM 613254.

Submission:

Labcorp Genetics (formerly Invitae), Labcorp
Classification: Uncertain significance for Tuberous sclerosis 2. Last evaluated: 2024-09-15. Review status: criteria provided, single submitter. Criteria: Invitae Variant Classification Sherloc (09022015). Collection method: clinical testing. Allele origin: germline.
Comment: This sequence change replaces alanine, which is neutral and non-polar, with aspartic acid, which is acidic and polar, at codon 835 of the TSC2 protein (p.Ala835Asp). This variant is not present in population databases (gnomAD no frequency). This variant has not been reported in the literature in individuals affected with TSC2-related conditions. Invitae Evidence Modeling of protein sequence and biophysical properties (such as structural, functional, and spatial information, amino acid conservation, physicochemical variation, residue mobility, and thermodynamic stability) indicates that this missense variant is not expected to disrupt TSC2 protein function with a negative predictive value of 95%. In summary, the available evidence is currently insufficient to determine the role of this variant in disease. Therefore, it has been classified as a Variant of Uncertain Significance.